The following is an entry in ClinVar:

ClinVar aggregate classification (germline): Likely pathogenic. Review status: criteria provided, multiple submitters, no conflicts (2 of 4 stars). 2 submissions from 2 submitters: Likely pathogenic (2). Last evaluated 2025-03-24.

Conditions:
Autosomal recessive limb-girdle muscular dystrophy type 2A (LGMDR1). Also called: Muscular dystrophy, limb-girdle, type 2A, Amish; LEYDEN-MOEBIUS MUSCULAR DYSTROPHY; MUSCULAR DYSTROPHY, PELVOFEMORAL; Limb-girdle muscular dystrophy, type 2A; Calpainopathy. Identifiers: Orphanet 267, MedGen C1869123, MONDO:0009675, OMIM 253600. Disease mechanism: loss of function.

Submissions (2):

Natera, Inc.
Classification: Likely pathogenic for Limb-girdle muscular dystrophy type 2A. Last evaluated: 2025-03-24. Review status: criteria provided, single submitter. Criteria: Natera Variant Classification Schema (03/2026). Collection method: clinical testing. Allele origin: germline.
Comment: The c.633-1G>A variant in CAPN3 is a canonical splice acceptor site variant predicted to affect pre-mRNA splicing, which may result in an abnormal transcript and altered protein product. This variant is expected to result in nonsense mediated decay, truncation, or a dysfunctional protein product. This variant is rare in the general population with a frequency below the threshold expected for the associated phenotype(s). Given the available evidence, this variant is classified as Likely Pathogenic.

Labcorp Genetics (formerly Invitae), Labcorp
Classification: Likely pathogenic for Autosomal recessive limb-girdle muscular dystrophy type 2A. Last evaluated: 2023-01-05. Review status: criteria provided, single submitter. Criteria: Invitae Variant Classification Sherloc (09022015). Collection method: clinical testing. Allele origin: germline.
Comment: This sequence change affects an acceptor splice site in intron 4 of the CAPN3 gene. It is expected to disrupt RNA splicing. Variants that disrupt the donor or acceptor splice site typically lead to a loss of protein function (PMID: 16199547), and loss-of-function variants in CAPN3 are known to be pathogenic (PMID: 10330340, 15689361). This variant is not present in population databases (gnomAD no frequency). This variant has not been reported in the literature in individuals affected with CAPN3-related conditions. Algorithms developed to predict the effect of sequence changes on RNA splicing suggest that this variant may disrupt the consensus splice site. In summary, the currently available evidence indicates that the variant is pathogenic, but additional data are needed to prove that conclusively. Therefore, this variant has been classified as Likely Pathogenic.

Literature cited by the submitters: PubMed 16199547 (cited by Labcorp Genetics (formerly Invitae), Labcorp); PubMed 10330340 (cited by Labcorp Genetics (formerly Invitae), Labcorp); PubMed 15689361 (cited by Labcorp Genetics (formerly Invitae), Labcorp).

NM_000070.3(CAPN3):c.633-1G>A

Gene: CAPN3 (calpain 3; plus strand). Cytogenetic location: 15q15.1.
Variant type: single nucleotide variant.
Coding change: c.633-1G>A on transcript NM_000070.3 (MANE Select); the canonical splice acceptor site of the intron before coding-DNA position 633, G replaced by A.
Molecular consequence: splice acceptor variant.
Genome position (GRCh38, 1-based): chr15:42,388,927, G>A. VCF-style: chr15-42388927-G-A. GRCh37 (hg19) VCF-style: chr15-42681125-G-A.
Other names: c.633-1G>A (NM_000070.2, NM_024344.2, NM_173087.2).
Identifiers: ClinVar variation 2810395 (VCV002810395.5), dbSNP rs2548260118, ClinGen allele CA391998040.
Genomic context (GRCh38, chr15:42,388,927, plus strand): 5'-TACCTGGGTTTTGTTCCCTGGAACTCTGTGACCCCAAATTGGTCTTCATCCTCTCTCTAA[G>A]GCTCCATGGTTCCTACGAAGCTCTGAAAGGTGGGAACACCACAGAGGCCATGGAGGACTT-3'